The following is an entry in ClinVar:

ClinVar aggregate classification (germline): Uncertain significance. Review status: criteria provided, multiple submitters, no conflicts (2 of 4 stars). 2 submissions from 2 submitters: Uncertain significance (2). Last evaluated 2025-10-09.

Allele frequency attached by ClinVar (database versions not stated): TOPMed below 0.00001.

Submissions (2):

Labcorp Genetics (formerly Invitae), Labcorp
Classification: Uncertain significance. Last evaluated: 2025-10-09. Review status: criteria provided, single submitter. Criteria: Invitae Variant Classification Sherloc (09022015). Collection method: clinical testing. Allele origin: germline.
Comment: This sequence change replaces aspartic acid, which is acidic and polar, with asparagine, which is neutral and polar, at codon 285 of the FSCN2 protein (p.Asp285Asn). This variant is not present in population databases (gnomAD no frequency). This variant has not been reported in the literature in individuals affected with FSCN2-related conditions. ClinVar contains an entry for this variant (Variation ID: 1374991). An algorithm developed to predict the effect of missense changes on protein structure and function (PolyPhen-2) suggests that this variant is likely to be tolerated. In summary, the available evidence is currently insufficient to determine the role of this variant in disease. Therefore, it has been classified as a Variant of Uncertain Significance.

Ambry Genetics
Classification: Uncertain significance. Last evaluated: 2025-04-03. Review status: criteria provided, single submitter. Criteria: Ambry Variant Classification Scheme 2023. Collection method: clinical testing. Allele origin: germline.

NM_012418.4(FSCN2):c.853G>A (p.Asp285Asn)

Gene: FSCN2 (fascin actin-bundling protein 2, retinal; plus strand). Cytogenetic location: 17q25.3.
Variant type: single nucleotide variant.
Coding change: c.853G>A on transcript NM_012418.4 (MANE Select); coding-DNA position 853, G replaced by A.
Protein change: p.Asp285Asn; replaces aspartic acid 285 with asparagine.
Molecular consequence: missense variant.
Genome position (GRCh38, 1-based): chr17:81,535,078, G>A. VCF-style: chr17-81535078-G-A. GRCh37 (hg19) VCF-style: chr17-79502104-G-A.
Other names: c.853G>A (NM_001077182.2); c.853G>A, p.Asp285Asn (NM_001077182.3); short protein forms D285N.
Identifiers: ClinVar variation 1374991 (VCV001374991.7), dbSNP rs2032803388, ClinGen allele CA401475406.